The following is an entry in ClinVar:

NM_001267550.2(TTN):c.21789G>C (p.Trp7263Cys)

Gene: TTN (titin; minus strand). Cytogenetic location: 2q31.2.
Variant type: single nucleotide variant.
Coding change: c.21789G>C on transcript NM_001267550.2 (MANE Select); coding-DNA position 21789, G replaced by C.
Protein change: p.Trp7263Cys; replaces tryptophan 7263 with cysteine.
Molecular consequence: missense variant. On other transcripts: intron variant (3).
Genome position (GRCh38, 1-based): chr2:178,723,218, C>G on the plus strand (G>C on the coding strand, the complement: TTN is on the minus strand). VCF-style: chr2-178723218-C-G. GRCh37 (hg19) VCF-style: chr2-179587945-C-G.
Other names: c.20838G>C, p.Trp6946Cys (NM_001256850.1); c.18057G>C, p.Trp6019Cys (NM_133378.4); c.13282+14864G>C (NM_003319.4); c.13858+14864G>C (NM_133437.4); c.13657+14864G>C (NM_133432.3); short protein forms W7263C, W6019C, W6946C.
Identifiers: ClinVar variation 466897 (VCV000466897.7), dbSNP rs377544260, ClinGen allele CA2000951.

ClinVar aggregate classification (germline): Uncertain significance. Review status: criteria provided, multiple submitters, no conflicts (2 of 4 stars). 3 submissions from 3 submitters: Uncertain significance (3). Last evaluated 2026-09-22.

Conditions:
Autosomal recessive limb-girdle muscular dystrophy type 2J (LGMDR10). Also called: Limb-girdle muscular dystrophy, type 2J; MUSCULAR DYSTROPHY, LIMB-GIRDLE, AUTOSOMAL RECESSIVE 10. Identifiers: Orphanet 140922, MedGen C1837342, MONDO:0012127, OMIM 608807.
Dilated cardiomyopathy 1G (CMD1G). Identifiers: Orphanet 154, MedGen C1858763, MONDO:0011400, OMIM 604145.
TTN-related disorder. Also called: TTN-related condition; TTN-related disease; TTN-related disorders.

Allele frequency attached by ClinVar (database versions not stated): gnomAD exomes below 0.00001 and 0.00001; ExAC 0.00002; TOPMed 0.00005; gnomAD 0.00007; ESP Exome Variant Server 0.00017.
gnomAD v4.1: 14 of 1,613,358 alleles (0.00087%); highest among the groups gnomAD compares: African/African-American, 0.019%; no homozygotes.

Submissions (3):

PreventionGenetics, part of Exact Sciences
Classification: Uncertain significance for TTN-related condition. Last evaluated: 2026-09-22. Review status: criteria provided, single submitter. Criteria: ACMG Guidelines, 2015. Collection method: clinical testing. Allele origin: germline.
Comment: The TTN c.21789G>C variant is predicted to result in the amino acid substitution p.Trp7263Cys. To our knowledge, this variant has not been reported in the literature. This variant is reported in 0.017% of alleles in individuals of African descent in gnomAD. At this time, the clinical significance of this variant is uncertain due to the absence of conclusive functional and genetic evidence.

Revvity Omics, Revvity
Classification: Uncertain significance. Last evaluated: 2019-06-06. Review status: criteria provided, single submitter. Criteria: ACMG Guidelines, 2015. Collection method: clinical testing. Allele origin: germline.

Labcorp Genetics (formerly Invitae), Labcorp
Classification: Uncertain significance for Dilated cardiomyopathy 1G; Autosomal recessive limb-girdle muscular dystrophy type 2J. Last evaluated: 2017-03-02. Review status: criteria provided, single submitter. Criteria: Invitae Variant Classification Sherloc (09022015). Collection method: clinical testing. Allele origin: germline.